The following is an entry in ClinVar:

ClinVar aggregate classification (germline): Uncertain significance (1 of 4 stars; one submission).

Submission:

Ambry Genetics
Classification: Uncertain significance. Last evaluated: 2024-05-28. Review status: criteria provided, single submitter. Criteria: Ambry Variant Classification Scheme 2023. Collection method: clinical testing. Allele origin: germline.
Comment: The p.L45F variant (also known as c.133C>T), located in coding exon 1 of the TERF2IP gene, results from a C to T substitution at nucleotide position 133. The leucine at codon 45 is replaced by phenylalanine, an amino acid with highly similar properties. This amino acid position is conserved. In addition, the in silico prediction for this alteration is inconclusive. Based on the available evidence, the clinical significance of this variant remains unclear.

NM_018975.4(TERF2IP):c.133C>T (p.Leu45Phe)

Gene: TERF2IP (TERF2 interacting protein; plus strand). Cytogenetic location: 16q23.1.
Variant type: single nucleotide variant.
Coding change: c.133C>T on transcript NM_018975.4 (MANE Select); coding-DNA position 133, C replaced by T.
Protein change: p.Leu45Phe; replaces leucine 45 with phenylalanine.
Molecular consequence: missense variant. On other transcripts: non-coding transcript variant (1).
Genome position (GRCh38, 1-based): chr16:75,648,015, C>T. VCF-style: chr16-75648015-C-T. GRCh37 (hg19) VCF-style: chr16-75681913-C-T.
Other names: short protein forms L45F.
Identifiers: ClinVar variation 3325467 (VCV003325467.1).
Genomic context (GRCh38, chr16:75,648,015, plus strand): 5'-GACGGCAGCTCCATGTCCTTCTACGTGCGGCCCAGCCCGGCCAAGCGTCGGCTGTCGACG[C>T]TCATCCTGCACGGCGGCGGCACCGTGTGCCGAGTGCAGGAGCCCGGGGCCGTGCTGCTGG-3'
Protein context (NP_061848.2, residues 35-55): PSPAKRRLST[Leu45Phe]ILHGGGTVCR